The following is an entry in ClinVar:

NM_001005373.4(LRSAM1):c.1714C>T (p.Arg572Cys)

Gene: LRSAM1 (leucine rich repeat and sterile alpha motif containing 1; plus strand). Cytogenetic location: 9q33.3.
Variant type: single nucleotide variant.
Coding change: c.1714C>T on transcript NM_001005373.4 (MANE Select); coding-DNA position 1714, C replaced by T.
Protein change: p.Arg572Cys; replaces arginine 572 with cysteine.
Molecular consequence: missense variant. On other transcripts: non-coding transcript variant (2).
Genome position (GRCh38, 1-based): chr9:127,495,979, C>T. VCF-style: chr9-127495979-C-T. GRCh37 (hg19) VCF-style: chr9-130258258-C-T.
Other names: c.1714C>T (NM_138361.4); c.1714C>T, p.Arg572Cys (NM_001005374.4, NM_001384142.1, NM_138361.5); c.1633C>T, p.Arg545Cys (NM_001190723.3); c.1615C>T, p.Arg539Cys (NM_001384143.1); c.925C>T, p.Arg309Cys (NM_001384144.1); short protein forms R572C, R545C, R309C, R539C.
Identifiers: ClinVar variation 845926 (VCV000845926.37), dbSNP rs1359751742, ClinGen allele CA374935596.

ClinVar aggregate classification (germline): Uncertain significance. Review status: criteria provided, multiple submitters, no conflicts (2 of 4 stars). 5 submissions from 5 submitters: Uncertain significance (5). Last evaluated 2026-04-21.

Conditions:
Inborn genetic diseases. Identifiers: MedGen C0950123, MeSH D030342.
Charcot-Marie-Tooth disease. Also called: Charcot-Marie-Tooth Neuropathy; Charcot-Marie-Tooth Hereditary Neuropathy. Identifiers: Orphanet 166, MedGen C0007959, MONDO:0015626.
Charcot-Marie-Tooth disease axonal type 2P. Also called: CHARCOT-MARIE-TOOTH NEUROPATHY, TYPE 2P; Charcot-Marie-Tooth Neuropathy Type 2G; CHARCOT-MARIE-TOOTH DISEASE, AXONAL, TYPE 2G; CMT 2G. Identifiers: Orphanet 300319, Orphanet 99941, MedGen C3280797, MONDO:0013753, OMIM 614436.

Allele frequency attached by ClinVar (database versions not stated): gnomAD 0.00002; TOPMed 0.00003.
gnomAD v4.1: 94 of 1,612,646 alleles (0.0058%); highest among the groups gnomAD compares: Non-Finnish European, 0.0071%; no homozygotes.

Submissions (5):

GeneDx
Classification: Uncertain significance. Last evaluated: 2026-04-21. Review status: criteria provided, single submitter. Criteria: GeneDx Variant Classification Process June 2021. Collection method: clinical testing. Allele origin: germline.
Comment: Reported previously as a variant of uncertain significance in a patient with a suspected diagnosis of Charcot-Marie-Tooth disease; however, clinical and segregation information was not provided (PMID: 32376792); Reported in an individual with delayed motor milestones, lower extremity weakness, frequent falls and language difficulties in an abstract by Hernandez D and Ospina E (2023); however, no further segregation information was provided; In silico analysis suggests that this missense variant does not alter protein structure/function; This variant is associated with the following publications: (PMID: 22781092, 32376792, Hernandez2023[Abstract])

Labcorp Genetics (formerly Invitae), Labcorp
Classification: Uncertain significance for Charcot-Marie-Tooth disease axonal type 2P. Last evaluated: 2023-11-14. Review status: criteria provided, single submitter. Criteria: Invitae Variant Classification Sherloc (09022015). Collection method: clinical testing. Allele origin: germline.
Comment: This sequence change replaces arginine, which is basic and polar, with cysteine, which is neutral and slightly polar, at codon 572 of the LRSAM1 protein (p.Arg572Cys). The frequency data for this variant in the population databases is considered unreliable, as metrics indicate poor data quality at this position in the gnomAD database. This missense change has been observed in individuals with clinical features of Charcot-Marie-Tooth disease (PMID: 32376792; Invitae). ClinVar contains an entry for this variant (Variation ID: 845926). Advanced modeling of protein sequence and biophysical properties (such as structural, functional, and spatial information, amino acid conservation, physicochemical variation, residue mobility, and thermodynamic stability) performed at Invitae indicates that this missense variant is not expected to disrupt LRSAM1 protein function with a negative predictive value of 80%. In summary, the available evidence is currently insufficient to determine the role of this variant in disease. Therefore, it has been classified as a Variant of Uncertain Significance.

CeGaT Center for Human Genetics Tuebingen
Classification: Uncertain significance. Last evaluated: 2023-02-01. Review status: criteria provided, single submitter. Criteria: CeGaT Center For Human Genetics Tuebingen Variant Classification Criteria Version 2. Collection method: clinical testing. Allele origin: germline. Affected: yes. Observed: 1 variant allele.
Comment: LRSAM1: PM2, BP4

Ambry Genetics
Classification: Uncertain significance for Inborn genetic diseases. Last evaluated: 2022-06-30. Review status: criteria provided, single submitter. Criteria: Ambry Variant Classification Scheme 2023. Collection method: clinical testing. Allele origin: germline.
Comment: The p.R572C variant (also known as c.1714C>T), located in coding exon 21 of the LRSAM1 gene, results from a C to T substitution at nucleotide position 1714. The arginine at codon 572 is replaced by cysteine, an amino acid with highly dissimilar properties. This amino acid position is not well conserved in available vertebrate species. In addition, this alteration is predicted to be tolerated by in silico analysis. Since supporting evidence is limited at this time, the clinical significance of this alteration remains unclear.

Molecular Genetics Laboratory, London Health Sciences Centre
Classification: Uncertain significance for Charcot-Marie-Tooth disease. Review status: criteria provided, single submitter. Criteria: ACMG Guidelines, 2015. Collection method: clinical testing. Allele origin: germline. Affected: yes.

Literature cited by the submitters: PubMed 32376792 (cited by Labcorp Genetics (formerly Invitae), Labcorp).